The following is an entry in ClinVar:

ClinVar aggregate classification (germline): Uncertain significance. Review status: criteria provided, multiple submitters, no conflicts (2 of 4 stars). 2 submissions from 2 submitters: Uncertain significance (2). Last evaluated 2025-02-01.

gnomAD v4.1: 16 of 1,555,304 alleles (0.001%); highest among the groups gnomAD compares: African/African-American, 0.0068%; no homozygotes.

Submissions (2):

Labcorp Genetics (formerly Invitae), Labcorp
Classification: Uncertain significance. Last evaluated: 2025-02-01. Review status: criteria provided, single submitter. Criteria: Invitae Variant Classification Sherloc (09022015). Collection method: clinical testing. Allele origin: germline.
Comment: This sequence change replaces proline, which is neutral and non-polar, with leucine, which is neutral and non-polar, at codon 807 of the PROM1 protein (p.Pro807Leu). The frequency data for this variant in the population databases is considered unreliable, as metrics indicate poor data quality at this position in the gnomAD database. This variant has not been reported in the literature in individuals affected with PROM1-related conditions. Invitae Evidence Modeling of protein sequence and biophysical properties (such as structural, functional, and spatial information, amino acid conservation, physicochemical variation, residue mobility, and thermodynamic stability) indicates that this missense variant is not expected to disrupt PROM1 protein function with a negative predictive value of 80%. In summary, the available evidence is currently insufficient to determine the role of this variant in disease. Therefore, it has been classified as a Variant of Uncertain Significance.

Blueprint Genetics
Classification: Uncertain significance. Last evaluated: 2019-04-30. Review status: criteria provided, single submitter. Criteria: ACMG Guidelines, 2015. Collection method: clinical testing. Allele origin: germline.

NM_006017.3(PROM1):c.2420C>T (p.Pro807Leu)

Gene: PROM1 (prominin 1; minus strand). Cytogenetic location: 4p15.32.
Variant type: single nucleotide variant.
Coding change: c.2420C>T on transcript NM_006017.3 (MANE Select); coding-DNA position 2420, C replaced by T.
Protein change: p.Pro807Leu; replaces proline 807 with leucine.
Molecular consequence: missense variant. On other transcripts: non-coding transcript variant (2).
Genome position (GRCh38, 1-based): chr4:15,980,491, G>A on the plus strand (C>T on the coding strand, the complement: PROM1 is on the minus strand). VCF-style: chr4-15980491-G-A. GRCh37 (hg19) VCF-style: chr4-15982114-G-A.
Other names: c.2393C>T, p.Pro798Leu (NM_001145847.2, NM_001145848.2, NM_001145851.2 and 4 more transcripts); c.2420C>T, p.Pro807Leu (NM_001145849.2, NM_001145850.2); c.2390C>T, p.Pro797Leu (NM_001441173.1); c.2309C>T, p.Pro770Leu (NM_001441174.1); c.2300C>T, p.Pro767Leu (NM_001441175.1, NM_001441176.1); c.2288C>T, p.Pro763Leu (NM_001441177.1); c.2228C>T, p.Pro743Leu (NM_001441178.1); c.2054C>T, p.Pro685Leu (NM_001441179.1); short protein forms P797L, P763L, P798L, P807L, P685L, P743L, P770L, P767L.
Identifiers: ClinVar variation 4702928 (VCV004702928.2).
Genomic context (GRCh38, chr4:15,980,491, plus strand): 5'-ACGTCCTCCGAATCCATTCGACGATAGTACTTAGCCAGTTTTACCGCAAAAATTAGAGCC[G>A]GAAGTAAAAATACAGTAGCTTTTCCTATGCCAAACCAAAACAAATTCTAGGAAAAAAAAA-3'
Protein context (NP_006008.1, residues 797-817): GIGKATVFLL[Pro807Leu]ALIFAVKLAK